The following is an entry in ClinVar:

ClinVar aggregate classification (germline): Uncertain significance (1 of 4 stars; one submission).

Submission:

GeneDx
Classification: Uncertain significance. Last evaluated: 2025-09-09. Review status: criteria provided, single submitter. Criteria: GeneDx Variant Classification Process June 2021. Collection method: clinical testing. Allele origin: germline.
Comment: Not observed at significant frequency in large population cohorts (gnomAD); In silico analysis supports that this missense variant has a deleterious effect on protein structure/function; Has not been previously published as pathogenic or benign to our knowledge

NM_006136.3(CAPZA2):c.164C>T (p.Ala55Val)

Gene: CAPZA2 (capping actin protein of muscle Z-line subunit alpha 2; plus strand). Cytogenetic location: 7q31.2.
Variant type: single nucleotide variant.
Coding change: c.164C>T on transcript NM_006136.3 (MANE Select); coding-DNA position 164, C replaced by T.
Protein change: p.Ala55Val; replaces alanine 55 with valine.
Molecular consequence: missense variant.
Genome position (GRCh38, 1-based): chr7:116,898,780, C>T. VCF-style: chr7-116898780-C-T. GRCh37 (hg19) VCF-style: chr7-116538834-C-T.
Other names: short protein forms A55V.
Identifiers: ClinVar variation 3769673 (VCV003769673.2).
Genomic context (GRCh38, chr7:116,898,780, plus strand): 5'-TAAAAAACATTAAATATATAATTTTAAGTAATTGCCATTTTCTTTTTTTTAGTGCATTTG[C>T]ACAGTATAACTTGGACCAGTTTACTCCAGTAAAAATTGAAGGTTATGAAGATCAGGTATG-3'
Protein context (NP_006127.1, residues 45-65): LLREGAAHAF[Ala55Val]QYNLDQFTPV